The following is an entry in ClinVar:

ClinVar aggregate classification (germline): Uncertain significance. Review status: criteria provided, multiple submitters, no conflicts (2 of 4 stars). 2 submissions from 2 submitters: Uncertain significance (2). Last evaluated 2025-11-10.

Conditions:
Hyperphosphatasemia with bone disease (PDB5). Also called: PAGET DISEASE OF BONE 5, JUVENILE-ONSET; Paget disease of bone 5; HYPEROSTOSIS CORTICALIS DEFORMANS JUVENILIS; HYPERPHOSPHATASEMIA, CHRONIC CONGENITAL IDIOPATHIC; HYPERPHOSPHATASIA, FAMILIAL IDIOPATHIC; Osteoectasia familial. Identifiers: Orphanet 2801, MedGen C0268414, MONDO:0009394, OMIM 239000.

Allele frequency attached by ClinVar (database versions not stated): gnomAD 0.00004 and 0.00005; TOPMed 0.00005; ExAC 0.00008; ESP Exome Variant Server 0.00008; gnomAD exomes 0.00008.
gnomAD v4.1: 128 of 1,614,028 alleles (0.0079%); highest among the groups gnomAD compares: Admixed American, 0.012%; no homozygotes.

Submissions (2):

Labcorp Genetics (formerly Invitae), Labcorp
Classification: Uncertain significance. Last evaluated: 2025-11-10. Review status: criteria provided, single submitter. Criteria: Invitae Variant Classification Sherloc (09022015). Collection method: clinical testing. Allele origin: germline.
Comment: This sequence change replaces arginine, which is basic and polar, with histidine, which is basic and polar, at codon 103 of the TNFRSF11B protein (p.Arg103His). This variant is present in population databases (rs375274060, gnomAD 0.02%). This variant has not been reported in the literature in individuals affected with TNFRSF11B-related conditions. ClinVar contains an entry for this variant (Variation ID: 910164). Invitae Evidence Modeling of protein sequence and biophysical properties (such as structural, functional, and spatial information, amino acid conservation, physicochemical variation, residue mobility, and thermodynamic stability) indicates that this missense variant is expected to disrupt TNFRSF11B protein function with a positive predictive value of 80%. In summary, the available evidence is currently insufficient to determine the role of this variant in disease. Therefore, it has been classified as a Variant of Uncertain Significance.

Illumina Laboratory Services, Illumina
Classification: Uncertain significance for Hyperphosphatasemia with bone disease. Last evaluated: 2018-01-13. Review status: criteria provided, single submitter. Criteria: ICSL Variant Classification Criteria 13 December 2019. Collection method: clinical testing. Allele origin: germline.

NM_002546.4(TNFRSF11B):c.308G>A (p.Arg103His)

Gene: TNFRSF11B (TNF receptor superfamily member 11b; minus strand). Cytogenetic location: 8q24.12.
Variant type: single nucleotide variant.
Coding change: c.308G>A on transcript NM_002546.4 (MANE Select); coding-DNA position 308, G replaced by A.
Protein change: p.Arg103His; replaces arginine 103 with histidine.
Molecular consequence: missense variant.
Genome position (GRCh38, 1-based): chr8:118,933,023, C>T on the plus strand (G>A on the coding strand, the complement: TNFRSF11B is on the minus strand). VCF-style: chr8-118933023-C-T. GRCh37 (hg19) VCF-style: chr8-119945262-C-T.
Other names: short protein forms R103H.
Identifiers: ClinVar variation 910164 (VCV000910164.9), dbSNP rs375274060, ClinGen allele CA4854952.